The following is an entry in ClinVar:

NM_014845.6(FIG4):c.446+9G>A

Gene: FIG4 (FIG4 phosphoinositide 5-phosphatase; plus strand). Cytogenetic location: 6q21.
Variant type: single nucleotide variant.
Coding change: c.446+9G>A on transcript NM_014845.6 (MANE Select); 9 bases into the intron after coding-DNA position 446, G replaced by A.
Molecular consequence: intron variant.
Genome position (GRCh38, 1-based): chr6:109,727,274, G>A. VCF-style: chr6-109727274-G-A. GRCh37 (hg19) VCF-style: chr6-110048477-G-A.
Other names: p.?.
Identifiers: ClinVar variation 381005 (VCV000381005.32), dbSNP rs190287033, ClinGen allele CA3955766.

ClinVar aggregate classification (germline): Conflicting classifications of pathogenicity. Review status: criteria provided, conflicting classifications (1 of 4 stars). 13 submissions from 12 submitters: Uncertain significance (1); Benign (2); Likely benign (7). 3 of the submissions do not count toward it. Last evaluated 2026-01-19.

Conditions:
Charcot-Marie-Tooth disease type 4J (CMT4J). Also called: Charcot-Marie-Tooth Neuropathy Type 4J; CHARCOT-MARIE-TOOTH DISEASE, AUTOSOMAL RECESSIVE, TYPE 4J; CHARCOT-MARIE-TOOTH DISEASE, DEMYELINATING, TYPE 4J. Identifiers: Orphanet 139515, MedGen C1970011, MONDO:0012640, OMIM 611228.
Charcot-Marie-Tooth disease type 4. Also called: Charcot-Marie-Tooth disease, type IV; Charcot-Marie-Tooth, Type 4. Identifiers: Orphanet 64749, MedGen C4082197, MONDO:0018995.
Amyotrophic lateral sclerosis type 11 (ALS11). Identifiers: Orphanet 803, MedGen C2675491, MONDO:0012945, OMIM 612577.
Charcot-Marie-Tooth disease. Also called: Charcot-Marie-Tooth Neuropathy; Charcot-Marie-Tooth Hereditary Neuropathy. Identifiers: Orphanet 166, MedGen C0007959, MONDO:0015626.

Allele frequency attached by ClinVar (database versions not stated): 1000 Genomes Project 30x 0.00016; 1000 Genomes Project 0.00020; TOPMed 0.00084; gnomAD exomes 0.00099; ESP Exome Variant Server 0.00100; gnomAD 0.00122 and 0.00128; ExAC 0.00132.
gnomAD v4.1: 1,839 of 1,572,892 alleles (0.12%); highest among the groups gnomAD compares: Non-Finnish European, 0.14%; 1 homozygote.

Submissions (13):

Labcorp Genetics (formerly Invitae), Labcorp
Classification: Likely benign for Charcot-Marie-Tooth disease type 4. Last evaluated: 2026-01-19. Review status: criteria provided, single submitter. Criteria: Invitae Variant Classification Sherloc (09022015). Collection method: clinical testing. Allele origin: germline.

Women's Health and Genetics/Laboratory Corporation of America, LabCorp
Classification: Benign. Last evaluated: 2025-11-03. Review status: criteria provided, single submitter. Criteria: LabCorp Variant Classification Summary - May 2015. Collection method: clinical testing. Allele origin: germline.
Comment: Variant summary: FIG4 c.446+9G>A alters a nucleotide located at a position not widely known to affect splicing. Consensus agreement among computation tools predict no significant impact on normal splicing. However, these predictions have yet to be confirmed by functional studies. The variant allele was found at a frequency of 0.00099 in 250602 control chromosomes, predominantly at a frequency of 0.0019 within the Non-Finnish European subpopulation in the gnomAD database, including 1 homozygote. The observed variant frequency within Non-Finnish European control individuals in the gnomAD database exceeds the estimated maximal expected allele frequency for disease-causing variants in FIG4. To our knowledge, no occurrence of c.446+9G>A in individuals affected with FIG4-related conditions and no experimental evidence demonstrating its impact on protein function have been reported. ClinVar contains an entry for this variant (Variation ID: 381005). Based on the evidence outlined above, the variant was classified as benign.

Mayo Clinic Laboratories, Mayo Clinic
Classification: Likely benign. Last evaluated: 2025-05-22. Review status: criteria provided, single submitter. Criteria: ACMG Guidelines, 2015. Collection method: clinical testing. Allele origin: germline. Observed: 6 variant alleles.
Comment: BP4, BP7

Blueprint Genetics
Classification: Likely benign. Last evaluated: 2024-11-18. Review status: criteria provided, single submitter. Criteria: ACMG Guidelines, 2015. Collection method: clinical testing. Allele origin: germline.

ARUP Laboratories, Molecular Genetics and Genomics, ARUP Laboratories
Classification: Likely benign. Last evaluated: 2024-05-28. Review status: criteria provided, single submitter. Criteria: ARUP Molecular Germline Variant Investigation Process 2024. Collection method: clinical testing. Allele origin: germline.

GeneDx
Classification: Likely benign. Last evaluated: 2018-01-29. Review status: criteria provided, single submitter. Criteria: GeneDx Variant Classification (06012015). Collection method: clinical testing. Allele origin: germline. Affected: yes.
Comment: This variant is considered likely benign or benign based on one or more of the following criteria: it is a conservative change, it occurs at a poorly conserved position in the protein, it is predicted to be benign by multiple in silico algorithms, and/or has population frequency not consistent with disease.

Illumina Laboratory Services, Illumina
Classification: Uncertain significance for Charcot-Marie-Tooth disease type 4J. Last evaluated: 2018-01-12. Review status: criteria provided, single submitter. Criteria: ICSL Variant Classification Criteria 13 December 2019. Collection method: clinical testing. Allele origin: germline.

Illumina Laboratory Services, Illumina
Classification: Benign for Amyotrophic lateral sclerosis type 11. Last evaluated: 2018-01-12. Review status: criteria provided, single submitter. Criteria: ICSL Variant Classification Criteria 13 December 2019. Collection method: clinical testing. Allele origin: germline.
Comment: This variant was observed in the ICSL laboratory as part of a predisposition screen in an ostensibly healthy population. It had not been previously curated by ICSL or reported in the Human Gene Mutation Database (HGMD: prior to June 1st, 2018), and was therefore a candidate for classification through an automated scoring system. Utilizing variant allele frequency, disease prevalence and penetrance estimates, and inheritance mode, an automated score was calculated to assess if this variant is too frequent to cause the disease. Based on the score and internal cut-off values, a variant classified as benign is not then subjected to further curation. The score for this variant resulted in a classification of benign for this disease.

Athena Diagnostics
Classification: Likely benign. Last evaluated: 2017-11-03. Review status: criteria provided, single submitter. Criteria: Athena Diagnostics Criteria. Collection method: clinical testing. Allele origin: germline.

Molecular Genetics Laboratory, London Health Sciences Centre
Classification: Likely benign for Charcot-Marie-Tooth disease. Review status: criteria provided, single submitter. Criteria: ACMG Guidelines, 2015. Collection method: clinical testing. Allele origin: germline. Affected: yes.

Clinical Genetics DNA and cytogenetics Diagnostics Lab, Erasmus MC, Erasmus Medical Center
Classification: Likely benign. Review status: no assertion criteria provided. Collection method: clinical testing. Allele origin: germline. Affected: yes. Study: VKGL Data-share Consensus. Not counted in ClinVar's aggregate classification.

Clinical Genetics, Academic Medical Center
Classification: Benign. Review status: no assertion criteria provided. Collection method: clinical testing. Allele origin: germline. Affected: yes. Study: VKGL Data-share Consensus. Not counted in ClinVar's aggregate classification.

Genome Diagnostics Laboratory, University Medical Center Utrecht
Classification: Likely benign. Review status: no assertion criteria provided. Collection method: clinical testing. Allele origin: germline. Affected: yes. Study: VKGL Data-share Consensus. Not counted in ClinVar's aggregate classification.